The following is an entry in ClinVar:

ClinVar aggregate classification (germline): Likely benign. Review status: criteria provided, multiple submitters, no conflicts (2 of 4 stars). 3 submissions from 3 submitters: Likely benign (3). Last evaluated 2024-10-30.

Conditions:
Hereditary cancer-predisposing syndrome. Also called: Tumor predisposition; Hereditary neoplastic syndrome; Hereditary Cancer Syndrome; Neoplastic Syndromes, Hereditary. Identifiers: Orphanet 140162, MedGen C0027672, MeSH D009386, MONDO:0015356.
Retinoblastoma (RB1). Also called: RETINOBLASTOMA, SOMATIC. Identifiers: Orphanet 790, MedGen C0035335, MeSH D012175, MONDO:0008380, OMIM 180200, HP:0009919. Disease mechanism: loss of function. Inheritance: Both sporadic and heritable forms are tested..

Allele frequency attached by ClinVar (database versions not stated): gnomAD exomes below 0.00001; ExAC 0.00001.
gnomAD v4.1: 3 of 1,612,092 alleles (0.00019%); highest among the groups gnomAD compares: Non-Finnish European, 0.000085%; no homozygotes.

Submissions (3):

Labcorp Genetics (formerly Invitae), Labcorp
Classification: Likely benign for Retinoblastoma. Last evaluated: 2024-10-30. Review status: criteria provided, single submitter. Criteria: Invitae Variant Classification Sherloc (09022015). Collection method: clinical testing. Allele origin: germline.

All of Us Research Program, National Institutes of Health
Classification: Likely benign for Retinoblastoma. Last evaluated: 2023-12-01. Review status: criteria provided, single submitter. Criteria: ACMG Guidelines, 2015. Collection method: clinical testing. Allele origin: germline. Inheritance: Autosomal dominant inheritance. Observed: 2 variant alleles, 2 heterozygotes.
Comment: This study involves interpretation of variants in research participants for the purpose of population health screening. Participant phenotype was not available at the time of variant classification. Additional details can be found in publication PMID: 35346344, PMCID: PMC8962531

Ambry Genetics
Classification: Likely benign for Hereditary cancer-predisposing syndrome. Last evaluated: 2020-01-09. Review status: criteria provided, single submitter. Criteria: Ambry Variant Classification Scheme 2023. Collection method: clinical testing. Allele origin: germline.

NM_000321.3(RB1):c.396T>C (p.Phe132=)

Gene: RB1 (RB transcriptional corepressor 1; plus strand). Cytogenetic location: 13q14.2.
Variant type: single nucleotide variant.
Coding change: c.396T>C on transcript NM_000321.3 (MANE Select); coding-DNA position 396, T replaced by C.
Protein change: p.Phe132=; no amino-acid change (phenylalanine 132 retained).
Molecular consequence: synonymous variant.
Genome position (GRCh38, 1-based): chr13:48,345,095, T>C. VCF-style: chr13-48345095-T-C. GRCh37 (hg19) VCF-style: chr13-48919231-T-C.
Identifiers: ClinVar variation 1098943 (VCV001098943.12), dbSNP rs768768956, ClinGen allele CA038089.
Genomic context (GRCh38, chr13:48,345,095, plus strand): 5'-TTTTTAAGGTTACTGATTTACTTTTTTCTATTCTTTCCTTTGTAGTGTCCATAAATTCTT[T>C]AACTTACTAAAAGAAATTGATACCAGTACCAAAGTTGATAATGCTATGTCAAGACTGTTG-3'
Protein context (NP_000312.2, residues 122-142): KNIEISVHKF[Phe132=]NLLKEIDTST